The following is an entry in ClinVar:

NM_001379286.1(ZNF423):c.2385G>A (p.Gly795=)

Gene: ZNF423 (zinc finger protein 423; minus strand). Cytogenetic location: 16q12.1.
Variant type: single nucleotide variant.
Coding change: c.2385G>A on transcript NM_001379286.1 (MANE Select); coding-DNA position 2385, G replaced by A.
Protein change: p.Gly795=; no amino-acid change (glycine 795 retained).
Molecular consequence: synonymous variant.
Genome position (GRCh38, 1-based): chr16:49,636,791, C>T on the plus strand (G>A on the coding strand, the complement: ZNF423 is on the minus strand). VCF-style: chr16-49636791-C-T. GRCh37 (hg19) VCF-style: chr16-49670702-C-T.
Other names: c.2181G>A, p.Gly727= (NM_001271620.2); c.2010G>A, p.Gly670= (NM_001330533.2); c.2361G>A, p.Gly787= (NM_015069.5).
Identifiers: ClinVar variation 752250 (VCV000752250.10), dbSNP rs189431522, ClinGen allele CA8046515.

ClinVar aggregate classification (germline): Likely benign. Review status: criteria provided, multiple submitters, no conflicts (2 of 4 stars). 3 submissions from 3 submitters: Likely benign (3). Last evaluated 2026-03-01.

Conditions:
Nephronophthisis 14 (NPHP14). Identifiers: Orphanet 2318, MedGen C3539071, MONDO:0013916, OMIM 614844.

Allele frequency attached by ClinVar (database versions not stated): ExAC 0.00002; gnomAD exomes 0.00002 and 0.00005; TOPMed 0.00002; gnomAD 0.00004 and 0.00005; 1000 Genomes Project 30x 0.00016; 1000 Genomes Project 0.00020.
gnomAD v4.1: 76 of 1,614,136 alleles (0.0047%); highest among the groups gnomAD compares: African/African-American, 0.0067%; no homozygotes.

Submissions (3):

CeGaT Center for Human Genetics Tuebingen
Classification: Likely benign. Last evaluated: 2026-03-01. Review status: criteria provided, single submitter. Criteria: CeGaT Center For Human Genetics Tuebingen Variant Classification Criteria Version 2. Collection method: clinical testing. Allele origin: germline. Affected: yes. Observed: 1 variant allele.
Comment: ZNF423: BP4, BP7

Blueprint Genetics
Classification: Likely benign. Last evaluated: 2024-11-19. Review status: criteria provided, single submitter. Criteria: ACMG Guidelines, 2015. Collection method: clinical testing. Allele origin: germline.

Labcorp Genetics (formerly Invitae), Labcorp
Classification: Likely benign for Nephronophthisis 14. Last evaluated: 2024-09-16. Review status: criteria provided, single submitter. Criteria: Invitae Variant Classification Sherloc (09022015). Collection method: clinical testing. Allele origin: germline.